The following is an entry in ClinVar:

NM_001999.4(FBN2):c.7959C>A (p.Val2653=)

Gene: FBN2 (fibrillin 2; minus strand). Cytogenetic location: 5q23.3.
Variant type: single nucleotide variant.
Coding change: c.7959C>A on transcript NM_001999.4 (MANE Select); coding-DNA position 7959, C replaced by A.
Protein change: p.Val2653=; no amino-acid change (valine 2653 retained).
Molecular consequence: synonymous variant.
Genome position (GRCh38, 1-based): chr5:128,272,000, G>T on the plus strand (C>A on the coding strand, the complement: FBN2 is on the minus strand). VCF-style: chr5-128272000-G-T. GRCh37 (hg19) VCF-style: chr5-127607692-G-T.
Other names: c.7959C>A (NM_001999.3).
Identifiers: ClinVar variation 1411937 (VCV001411937.9), dbSNP rs773175830, ClinGen allele CA446306292.
Genomic context (GRCh38, chr5:128,272,000, plus strand): 5'-TTATTCAGAGACACTTTCAGGTGAGAAAAGCAAGTGCGATGGAAGAAAAGAGCACTCACC[G>T]ACACACTGATTCCACTGGTAGTGCTGGATGTAGCCTTGGGGGCAGCCACATCTGTAGCCA-3'
Protein context (NP_001990.2, residues 2643-2663): YIQHYQWNQC[Val2653=]DENECSNPNA

ClinVar aggregate classification (germline): Conflicting classifications of pathogenicity. Review status: criteria provided, conflicting classifications (1 of 4 stars). 2 submissions from 2 submitters: Uncertain significance (1); Likely benign (1). Last evaluated 2026-04-09.

Conditions:
Familial thoracic aortic aneurysm and aortic dissection (TAAD). Also called: Thoracic aortic aneurysms and dissections. Identifiers: Orphanet 91387, MedGen C4707243, MONDO:0019625.
Congenital contractural arachnodactyly (CCA). Also called: BEALS SYNDROME; Beals-Hecht syndrome; Arthrogryposis, distal, type 9. Identifiers: Orphanet 115, MedGen C0220668, MONDO:0007363, OMIM 121050.

gnomAD v4.1: 1 of 1,613,790 alleles (0.000062%); highest among the groups gnomAD compares: Non-Finnish European, 0.000085%; no homozygotes.

Submissions (2):

Ambry Genetics
Classification: Likely benign for Familial thoracic aortic aneurysm and aortic dissection. Last evaluated: 2026-04-09. Review status: criteria provided, single submitter. Criteria: Ambry Variant Classification Scheme 2023. Collection method: clinical testing. Allele origin: germline.

Labcorp Genetics (formerly Invitae), Labcorp
Classification: Uncertain significance for Congenital contractural arachnodactyly. Last evaluated: 2024-06-17. Review status: criteria provided, single submitter. Criteria: Invitae Variant Classification Sherloc (09022015). Collection method: clinical testing. Allele origin: germline.
Comment: This sequence change affects codon 2653 of the FBN2 mRNA. It is a 'silent' change, meaning that it does not change the encoded amino acid sequence of the FBN2 protein. It affects a nucleotide within the consensus splice site. This variant is not present in population databases (gnomAD no frequency). This variant has not been reported in the literature in individuals affected with FBN2-related conditions. ClinVar contains an entry for this variant (Variation ID: 1411937). Algorithms developed to predict the effect of sequence changes on RNA splicing suggest that this variant is not likely to affect RNA splicing. In summary, the available evidence is currently insufficient to determine the role of this variant in disease. Therefore, it has been classified as a Variant of Uncertain Significance.